The following is an entry in ClinVar:

NM_002485.5(NBN):c.1129T>G (p.Leu377Val)

Gene: NBN (nibrin; minus strand). Cytogenetic location: 8q21.3.
Variant type: single nucleotide variant.
Coding change: c.1129T>G on transcript NM_002485.5 (MANE Select); coding-DNA position 1129, T replaced by G.
Protein change: p.Leu377Val; replaces leucine 377 with valine.
Molecular consequence: missense variant.
Genome position (GRCh38, 1-based): chr8:89,955,551, A>C on the plus strand (T>G on the coding strand, the complement: NBN is on the minus strand). VCF-style: chr8-89955551-A-C. GRCh37 (hg19) VCF-style: chr8-90967779-A-C.
Other names: c.883T>G, p.Leu295Val (NM_001024688.3); short protein forms L377V, L295V.
Identifiers: ClinVar variation 132734 (VCV000132734.2), dbSNP rs587780547, ClinGen allele CA332054.
Genomic context (GRCh38, chr8:89,955,551, plus strand): 5'-AAAGCATTCTGAATTTTTGTTCCATTTTGGAGACTTTGATTTCTTTTGGCCTTTCACTCA[A>C]ATCCCTGTAGAAAAAGAAAAGAATGCAAGGTAAATAATCAAGTTTACAGCAACTTTAATA-3'
Protein context (NP_002476.2, residues 367-387): TESEQADTWD[Leu377Val]SERPKEIKVS

ClinVar aggregate classification (germline): Uncertain significance. Review status: criteria provided, single submitter (1 of 4 stars). 2 submissions from 2 submitters: Uncertain significance (1). 1 of the submissions does not count toward it. Last evaluated 2023-11-15.

Conditions:
Hereditary cancer-predisposing syndrome. Also called: Tumor predisposition; Hereditary neoplastic syndrome; Neoplastic Syndromes, Hereditary; Hereditary Cancer Syndrome. Identifiers: Orphanet 140162, MedGen C0027672, MeSH D009386, MONDO:0015356.
Microcephaly, normal intelligence and immunodeficiency (NBS). Also called: BERLIN BREAKAGE SYNDROME; IMMUNODEFICIENCY, MICROCEPHALY, AND CHROMOSOMAL INSTABILITY; Ataxia telangiectasia variant V1; SEEMANOVA SYNDROME II; Immunodeficiency, microcephaly with normal intelligence; Nijmegen breakage syndrome. Identifiers: Orphanet 647, MedGen C0398791, MONDO:0009623, OMIM 251260.

Submissions (2):

Ambry Genetics
Classification: Uncertain significance for Hereditary cancer-predisposing syndrome. Last evaluated: 2023-11-15. Review status: criteria provided, single submitter. Criteria: Ambry Variant Classification Scheme 2023. Collection method: clinical testing. Allele origin: germline.
Comment: The p.L377V variant (also known as c.1129T>G), located in coding exon 10 of the NBN gene, results from a T to G substitution at nucleotide position 1129. The leucine at codon 377 is replaced by valine, an amino acid with highly similar properties. This amino acid position is conserved. In addition, this alteration is predicted to be tolerated by in silico analysis. Since supporting evidence is limited at this time, the clinical significance of this alteration remains unclear.

Labcorp Genetics (formerly Invitae), Labcorp
Classification: Uncertain significance for Microcephaly, normal intelligence and immunodeficiency. Last evaluated: 2014-06-11. Review status: no assertion criteria provided. Collection method: clinical testing. Allele origin: germline. Not counted in ClinVar's aggregate classification.
Comment: This sequence change has not been reported in affected patients and has not been reported as a common polymorphism in the population. Algorithms developed to predict the effect of missense changes on protein structure and function (SIFT, MutationTaster, AlignGVGD) suggest that this sequence change is likely to be tolerated, but these predictions have not been confirmed by functional studies. Algorithms developed to predict the effect of nucleotide changes on mRNA splicing predict that this sequence change may alter mRNA splicing, but this prediction has not been confirmed by functional studies.